The following is an entry in ClinVar:

ClinVar aggregate classification (germline): Benign. Review status: criteria provided, multiple submitters, no conflicts (2 of 4 stars). 2 submissions from 2 submitters: Benign (2). Last evaluated 2018-06-18.

Allele frequency attached by ClinVar (database versions not stated): gnomAD exomes 0.00287; gnomAD 0.03347 and 0.03601; 1000 Genomes Project 0.03534; 1000 Genomes Project 30x 0.03795; TOPMed 0.03801.
gnomAD v4.1: 8,162 of 1,182,374 alleles (0.69%); highest among the groups gnomAD compares: African/African-American, 11%; 454 homozygotes.

Submissions (2):

GeneDx
Classification: Benign. Last evaluated: 2018-06-18. Review status: criteria provided, single submitter. Criteria: GeneDx Variant Classification (06012015). Collection method: clinical testing. Allele origin: germline. Affected: yes.
Comment: This variant is considered likely benign or benign based on one or more of the following criteria: it is a conservative change, it occurs at a poorly conserved position in the protein, it is predicted to be benign by multiple in silico algorithms, and/or has population frequency not consistent with disease.

Breakthrough Genomics
Classification: Benign. Review status: criteria provided, single submitter. Criteria: ACMG Guidelines, 2015. Collection method: not provided. Allele origin: germline. Inheritance: Autosomal dominant inheritance. Affected: yes.

NM_002691.4(POLD1):c.2564+97A>G

Gene: POLD1 (DNA polymerase delta 1, catalytic subunit; plus strand). Cytogenetic location: 19q13.33.
Variant type: single nucleotide variant.
Coding change: c.2564+97A>G on transcript NM_002691.4 (MANE Select); 97 bases into the intron after coding-DNA position 2564, A replaced by G.
Molecular consequence: intron variant.
Genome position (GRCh38, 1-based): chr19:50,415,087, A>G. VCF-style: chr19-50415087-A-G. GRCh37 (hg19) VCF-style: chr19-50918344-A-G.
Other names: c.2564+97A>G (NM_001256849.1); c.2642+97A>G (NM_001308632.1).
Identifiers: ClinVar variation 676800 (VCV000676800.2), dbSNP rs1274610, ClinGen allele CA309604863.